The following is an entry in ClinVar:

ClinVar aggregate classification (germline): Uncertain significance (1 of 4 stars; one submission).

Allele frequency attached by ClinVar (database versions not stated): gnomAD exomes below 0.00001; TOPMed below 0.00001.
gnomAD v4.1: 3 of 1,612,364 alleles (0.00019%); highest among the groups gnomAD compares: Non-Finnish European, 0.00025%; no homozygotes.

Submission:

Labcorp Genetics (formerly Invitae), Labcorp
Classification: Uncertain significance. Last evaluated: 2025-02-10. Review status: criteria provided, single submitter. Criteria: Invitae Variant Classification Sherloc (09022015). Collection method: clinical testing. Allele origin: germline.
Comment: This sequence change replaces threonine, which is neutral and polar, with alanine, which is neutral and non-polar, at codon 541 of the REST protein (p.Thr541Ala). This variant is not present in population databases (gnomAD no frequency). This variant has not been reported in the literature in individuals affected with REST-related conditions. ClinVar contains an entry for this variant (Variation ID: 1466969). An algorithm developed to predict the effect of missense changes on protein structure and function outputs the following: PolyPhen-2: "Benign". The alanine amino acid residue is found in multiple mammalian species, which suggests that this missense change does not adversely affect protein function. In summary, the available evidence is currently insufficient to determine the role of this variant in disease. Therefore, it has been classified as a Variant of Uncertain Significance.

NM_005612.5(REST):c.1621A>G (p.Thr541Ala)

Gene: REST (RE1 silencing transcription factor; plus strand). Cytogenetic location: 4q12.
Variant type: single nucleotide variant.
Coding change: c.1621A>G on transcript NM_005612.5 (MANE Select); coding-DNA position 1621, A replaced by G.
Protein change: p.Thr541Ala; replaces threonine 541 with alanine.
Molecular consequence: missense variant.
Genome position (GRCh38, 1-based): chr4:56,930,479, A>G. VCF-style: chr4-56930479-A-G. GRCh37 (hg19) VCF-style: chr4-57796645-A-G.
Other names: c.1621A>G, p.Thr541Ala (NM_001193508.2, NM_001363453.3); short protein forms T541A.
Identifiers: ClinVar variation 1466969 (VCV001466969.8), dbSNP rs1720908273, ClinGen allele CA357007035.
Genomic context (GRCh38, chr4:56,930,479, plus strand): 5'-AGGAAGCTGGAAGTTGACAGCCATTCTTTACATGGTCCTGTGAATGATGAGGAATCTTCA[A>G]CAAAAAAGAAAAAGAAGGTAGAAAGCAAATCCAAAAATAATAGTCAGGAAGTGCCAAAGG-3'
Protein context (NP_005603.3, residues 531-551): HGPVNDEESS[Thr541Ala]KKKKKVESKS